The following is an entry in ClinVar:

ClinVar aggregate classification (germline): Conflicting classifications of pathogenicity. Review status: criteria provided, conflicting classifications (1 of 4 stars). 2 submissions from 2 submitters: Uncertain significance (1); Likely benign (1). Last evaluated 2025-05-18.

Conditions:
Cardiovascular phenotype. Identifiers: MedGen CN230736.

Allele frequency attached by ClinVar (database versions not stated): gnomAD exomes below 0.00001; ExAC 0.00001.
gnomAD v4.1: 5 of 1,610,954 alleles (0.00031%); highest among the groups gnomAD compares: Non-Finnish European, 0.00042%; no homozygotes.

Submissions (2):

Ambry Genetics
Classification: Uncertain significance for Cardiovascular phenotype. Last evaluated: 2025-05-18. Review status: criteria provided, single submitter. Criteria: Ambry Variant Classification Scheme 2023. Collection method: clinical testing. Allele origin: germline.
Comment: The c.36G>T variant (also known as p.L12L), located in coding exon 1 of the PRDM5 gene, results from a G to T substitution at nucleotide position 36. This nucleotide substitution does not change the amino acid at codon 12. This nucleotide position is well conserved in available vertebrate species. In silico splice site analysis for this alteration is inconclusive. Based on the available evidence, the clinical significance of this variant remains unclear.

Labcorp Genetics (formerly Invitae), Labcorp
Classification: Likely benign. Last evaluated: 2023-11-13. Review status: criteria provided, single submitter. Criteria: Invitae Variant Classification Sherloc (09022015). Collection method: clinical testing. Allele origin: germline.

NM_018699.4(PRDM5):c.36G>T (p.Leu12=)

Gene: PRDM5 (PR/SET domain 5; minus strand). Cytogenetic location: 4q27.
Variant type: single nucleotide variant.
Coding change: c.36G>T on transcript NM_018699.4 (MANE Select); coding-DNA position 36, G replaced by T.
Protein change: p.Leu12=; no amino-acid change (leucine 12 retained).
Molecular consequence: synonymous variant.
Genome position (GRCh38, 1-based): chr4:120,922,573, C>A on the plus strand (G>T on the coding strand, the complement: PRDM5 is on the minus strand). VCF-style: chr4-120922573-C-A. GRCh37 (hg19) VCF-style: chr4-121843728-C-A.
Other names: c.36G>T, p.Leu12= (NM_001300823.2, NM_001300824.2, NM_001379104.1 and 1 more transcripts).
Identifiers: ClinVar variation 347456 (VCV000347456.9), dbSNP rs755929725, ClinGen allele CA3061541.